The following is an entry in ClinVar:

ClinVar aggregate classification (germline): Benign/Likely benign. Review status: criteria provided, multiple submitters, no conflicts (2 of 4 stars). 5 submissions from 5 submitters: Benign (1); Likely benign (4). Last evaluated 2026-08-01.

Allele frequency attached by ClinVar (database versions not stated): gnomAD 0.00230 and 0.00242; TOPMed 0.00239; ESP Exome Variant Server 0.00254; gnomAD exomes 0.00020 and 0.00057; ExAC 0.00072; 1000 Genomes Project 0.00120; 1000 Genomes Project 30x 0.00141.
gnomAD v4.1: 644 of 1,613,524 alleles (0.04%); highest among the groups gnomAD compares: African/African-American, 0.7%; 1 homozygote.

Submissions (5):

CeGaT Center for Human Genetics Tuebingen
Classification: Likely benign. Last evaluated: 2026-08-01. Review status: criteria provided, single submitter. Criteria: CeGaT Center For Human Genetics Tuebingen Variant Classification Criteria Version 2. Collection method: clinical testing. Allele origin: germline. Affected: yes. Observed: 2 variant alleles.
Comment: CTDP1: BP4, BP7

Labcorp Genetics (formerly Invitae), Labcorp
Classification: Benign. Last evaluated: 2026-02-01. Review status: criteria provided, single submitter. Criteria: Invitae Variant Classification Sherloc (09022015). Collection method: clinical testing. Allele origin: germline.

Mayo Clinic Laboratories, Mayo Clinic
Classification: Likely benign. Last evaluated: 2025-03-25. Review status: criteria provided, single submitter. Criteria: ACMG Guidelines, 2015. Collection method: clinical testing. Allele origin: germline. Observed: 2 variant alleles.
Comment: BP4, BP7

Blueprint Genetics
Classification: Likely benign. Last evaluated: 2024-11-26. Review status: criteria provided, single submitter. Criteria: ACMG Guidelines, 2015. Collection method: clinical testing. Allele origin: germline.

Eurofins Ntd Llc (ga)
Classification: Likely benign. Last evaluated: 2017-04-17. Review status: criteria provided, single submitter. Criteria: EGL Classification Definitions 2015. Collection method: clinical testing. Allele origin: germline. Observed: 1 variant allele, 1 heterozygote.

NM_004715.5(CTDP1):c.2322C>T (p.Tyr774=)

Gene: CTDP1 (CTD phosphatase 1; plus strand). Cytogenetic location: 18q23.
Variant type: single nucleotide variant.
Coding change: c.2322C>T on transcript NM_004715.5 (MANE Select); coding-DNA position 2322, C replaced by T.
Protein change: p.Tyr774=; no amino-acid change (tyrosine 774 retained).
Molecular consequence: synonymous variant.
Genome position (GRCh38, 1-based): chr18:79,717,921, C>T. VCF-style: chr18-79717921-C-T. GRCh37 (hg19) VCF-style: chr18-77477921-C-T.
Other names: p.Tyr774=; c.1965C>T, p.Tyr655= (NM_001202504.1); c.2322C>T, p.Tyr774= (NM_001318511.2, NM_048368.4).
Identifiers: ClinVar variation 501118 (VCV000501118.21), dbSNP rs35234657, ClinGen allele CA9010551.